The following is an entry in ClinVar:

NM_001374828.1(ARID1B):c.1058CCG[7] (p.Ala357_Gly358insAlaAla)

Gene: ARID1B (AT-rich interaction domain 1B; plus strand). Cytogenetic location: 6q25.3.
Variant type: Microsatellite.
Coding change: c.1058CCG[7] on transcript NM_001374828.1 (MANE Select); seven copies in a row of the 3-base unit CCG starting at c.1058; the reference has five copies in a row; two copies, 6 bases duplicated.
Protein change: p.Ala357_Gly358insAlaAla.
Molecular consequence: inframe insertion.
Genome position (GRCh38, 1-based): chr6:156,778,747-156,778,752, CCGCCG duplicated; duplicating any 6 consecutive bases within chr6:156,778,738-156,778,752 gives the same sequence; the position shown is the placement nearest the transcript's 3' end. VCF-style (leftmost placement, unchanged base first): chr6-156778737-T-TCCGCCG. GRCh37 (hg19) VCF-style: chr6-157099871-T-TCCGCCG.
Other names: c.1058CCG[7], p.Ala357_Gly358insAlaAla (NM_001371656.1, NM_001374820.1, NM_001438482.1 and 9 more transcripts).
Identifiers: ClinVar variation 4797446 (VCV004797446.1).

ClinVar aggregate classification (germline): Uncertain significance (1 of 4 stars; one submission).

Submission:

Labcorp Genetics (formerly Invitae), Labcorp
Classification: Uncertain significance. Last evaluated: 2025-09-23. Review status: criteria provided, single submitter. Criteria: Invitae Variant Classification Sherloc (09022015). Collection method: clinical testing. Allele origin: germline.
Comment: This variant, c.818_823dup, results in the insertion of 2 amino acid(s) of the ARID1B protein (p.Ala273_Ala274dup), but otherwise preserves the integrity of the reading frame. This variant is not present in population databases (gnomAD no frequency). This variant has not been reported in the literature in individuals affected with ARID1B-related conditions. In summary, the available evidence is currently insufficient to determine the role of this variant in disease. Therefore, it has been classified as a Variant of Uncertain Significance.